The following is an entry in ClinVar:

ClinVar aggregate classification (germline): Pathogenic/Likely pathogenic. Review status: criteria provided, multiple submitters, no conflicts (2 of 4 stars). 6 submissions from 6 submitters: Pathogenic (3); Likely pathogenic (2). 1 of the submissions does not count toward it. Last evaluated 2025-10-11.

Conditions:
Holocarboxylase synthetase deficiency. Also called: MULTIPLE CARBOXYLASE DEFICIENCY, EARLY ONSET. Identifiers: Orphanet 79242, MedGen C0268581, MONDO:0009666, OMIM 253270.

Allele frequency attached by ClinVar (database versions not stated): gnomAD exomes 0.00001 and 0.00003; ExAC 0.00002; TOPMed below 0.00001.
gnomAD v4.1: 47 of 1,613,668 alleles (0.0029%); highest among the groups gnomAD compares: Non-Finnish European, 0.0036%; no homozygotes.

Submissions (6):

Natera, Inc.
Classification: Likely pathogenic for Holocarboxylase synthetase deficiency. Last evaluated: 2025-10-11. Review status: criteria provided, single submitter. Criteria: Natera Variant Classification Schema (03/2026). Collection method: clinical testing. Allele origin: germline.
Comment: The c.1741G>A variant in HLCS is a missense variant predicted to cause substitution of glycine to serine at amino acid 581. This variant is rare in the general population with a frequency below the threshold expected for the associated phenotype(s). This variant has been observed in one or more individuals affected with the associated recessive disease, as either homozygous or compound heterozygous with a second variant (PMID: 10190325, 12124727). Functional studies show that this variant may disrupt protein function (PMID: 10190325). Computational prediction algorithms indicate this variant is likely to affect gene or protein function. Given the available evidence, this variant is classified as Likely Pathogenic.

Labcorp Genetics (formerly Invitae), Labcorp
Classification: Pathogenic for Holocarboxylase synthetase deficiency. Last evaluated: 2024-10-17. Review status: criteria provided, single submitter. Criteria: Invitae Variant Classification Sherloc (09022015). Collection method: clinical testing. Allele origin: germline.
Comment: This sequence change replaces glycine, which is neutral and non-polar, with serine, which is neutral and polar, at codon 581 of the HLCS protein (p.Gly581Ser). This variant is present in population databases (rs119103230, gnomAD 0.006%). This missense change has been observed in individual(s) with holocarboxylase synthetase deficiency (PMID: 10190325, 12124727). In at least one individual the data is consistent with being in trans (on the opposite chromosome) from a pathogenic variant. ClinVar contains an entry for this variant (Variation ID: 1910). Invitae Evidence Modeling of protein sequence and biophysical properties (such as structural, functional, and spatial information, amino acid conservation, physicochemical variation, residue mobility, and thermodynamic stability) indicates that this missense variant is expected to disrupt HLCS protein function with a positive predictive value of 95%. Experimental studies have shown that this missense change affects HLCS function (PMID: 10190325, 10590022, 24239178). For these reasons, this variant has been classified as Pathogenic.

Fulgent Genetics
Classification: Likely pathogenic for Holocarboxylase synthetase deficiency. Last evaluated: 2024-04-23. Review status: criteria provided, single submitter. Criteria: ACMG Guidelines, 2015. Collection method: clinical testing. Allele origin: germline.

Rady Children's Institute for Genomic Medicine, Rady Children's Hospital San Diego
Classification: Pathogenic for HOLOCARBOXYLASE SYNTHETASE DEFICIENCY. Last evaluated: 2019-03-01. Review status: criteria provided, single submitter. Criteria: ACMG Guidelines, 2015. Collection method: clinical testing. Allele origin: germline. Affected: yes. Observed: 1 variant allele.
Comment: This variant has been reported as homozygous or compound heterozygous in individuals affected with holocarboxylase synthetase deficiency (PMID: 10190325, 12124727, 11735028), and classified in the ClinVar database as Pathogenic (Variation ID: 1910). Experimental studies have shown that this missense change reduces HLCS enzymatic activity in vitro (PMID: 10190325, 24239178). It is present in the heterozygous state in the gnomAD population database at a frequency of 0.001% (3/246262) and thus is presumed to be rare. The c.1741G>A, p.Gly581Ser variant affects a highly conserved amino acid and is predicted by multiple in silico tools to have a deleterious effect on protein function. Based on the available evidence, the c.1741G>A, p.Gly581Ser variant is classified as Pathogenic.

Juno Genomics, Hangzhou Juno Genomics, Inc
Classification: Pathogenic for Holocarboxylase synthetase deficiency. Review status: criteria provided, single submitter. Criteria: ACMG Guidelines, 2015. Collection method: clinical testing. Allele origin: germline.
Comment: Absent from controls (or at extremely low frequency if recessive) in Genome Aggregation Database.;Well-established in vitro or in vivo functional studies supportive of a damaging effect on the gene or gene product.;For recessive disorders, detected in trans with a pathogenic variant.;Patient's phenotype or family history is highly specific for a disease with a single genetic etiology.

OMIM
Classification: Pathogenic for HOLOCARBOXYLASE SYNTHETASE DEFICIENCY. Last evaluated: 2001-11-01. Review status: no assertion criteria provided. Collection method: literature only. Allele origin: germline. Not counted in ClinVar's aggregate classification.

Literature cited by the submitters: PubMed 10190325 (cited by 3 submitters); PubMed 12124727 (cited by Natera, Inc. and Labcorp Genetics (formerly Invitae), Labcorp); PubMed 10590022 (cited by Labcorp Genetics (formerly Invitae), Labcorp); PubMed 24239178 (cited by Labcorp Genetics (formerly Invitae), Labcorp); PubMed 11735028 (cited by OMIM); PubMed 8319716 (cited by OMIM).

NM_001352514.2(HLCS):c.2182G>A (p.Gly728Ser)

Gene: HLCS (holocarboxylase synthetase; minus strand). Cytogenetic location: 21q22.13.
Variant type: single nucleotide variant.
Coding change: c.2182G>A on transcript NM_001352514.2 (MANE Select); coding-DNA position 2182, G replaced by A.
Protein change: p.Gly728Ser; replaces glycine 728 with serine.
Molecular consequence: missense variant. On other transcripts: non-coding transcript variant (2).
Genome position (GRCh38, 1-based): chr21:36,759,781, C>T on the plus strand (G>A on the coding strand, the complement: HLCS is on the minus strand). VCF-style: chr21-36759781-C-T. GRCh37 (hg19) VCF-style: chr21-38132082-C-T.
Other names: c.1741G>A, p.Gly581Ser (NM_000411.8, NM_001242784.3, NM_001242785.2 and 4 more transcripts); c.1741G>A (NM_000411.7); short protein forms G581S, G728S.
Identifiers: ClinVar variation 1910 (VCV000001910.20), dbSNP rs119103230, ClinGen allele CA278021.